The following is an entry in ClinVar:

NM_015122.3(FCHO1):c.836-12A>G

Gene: FCHO1 (FCH and mu domain containing endocytic adaptor 1; plus strand). Cytogenetic location: 19p13.11.
Variant type: single nucleotide variant.
Coding change: c.836-12A>G on transcript NM_015122.3 (MANE Select); 12 bases into the intron before coding-DNA position 836, A replaced by G.
Molecular consequence: intron variant.
Genome position (GRCh38, 1-based): chr19:17,774,382, A>G. VCF-style: chr19-17774382-A-G. GRCh37 (hg19) VCF-style: chr19-17885191-A-G.
Other names: c.836-12A>G (NM_001384370.1, NM_001384396.1, NM_001384404.1 and 25 more transcripts); c.761-12A>G (NM_001384390.1); c.686-12A>G (NM_001384406.1, NM_001384407.1, NM_001384384.1 and 3 more transcripts); c.791-12A>G (NM_001384403.1); c.797-12A>G (NM_001384388.1, NM_001384405.1, NM_001384389.1).
Identifiers: ClinVar variation 1513640 (VCV001513640.5), dbSNP rs368402251, ClinGen allele CA9300264.

ClinVar aggregate classification (germline): Uncertain significance (1 of 4 stars; one submission).

Allele frequency attached by ClinVar (database versions not stated): gnomAD exomes 0.00001; ExAC 0.00002; gnomAD 0.00002; TOPMed 0.00003; ESP Exome Variant Server 0.00008.
gnomAD v4.1: 20 of 1,613,742 alleles (0.0012%); highest among the groups gnomAD compares: African/African-American, 0.0027%; no homozygotes.

Submission:

Labcorp Genetics (formerly Invitae), Labcorp
Classification: Uncertain significance. Last evaluated: 2024-11-27. Review status: criteria provided, single submitter. Criteria: Invitae Variant Classification Sherloc (09022015). Collection method: clinical testing. Allele origin: germline.
Comment: This sequence change falls in intron 12 of the FCHO1 gene. It does not directly change the encoded amino acid sequence of the FCHO1 protein. This variant is present in population databases (rs368402251, gnomAD 0.004%). This variant has not been reported in the literature in individuals affected with FCHO1-related conditions. ClinVar contains an entry for this variant (Variation ID: 1513640). Algorithms developed to predict the effect of sequence changes on RNA splicing suggest that this variant may disrupt the consensus splice site. In summary, the available evidence is currently insufficient to determine the role of this variant in disease. Therefore, it has been classified as a Variant of Uncertain Significance.